The following is an entry in ClinVar:

NM_014049.5(ACAD9):c.889A>G (p.Met297Val)

Genes: ACAD9 (acyl-CoA dehydrogenase family member 9; plus strand), LOC126806807 (BRD4-independent group 4 enhancer GRCh37_chr3:128620937-128622136; plus strand). Cytogenetic location: 3q21.3.
Variant type: single nucleotide variant.
Coding change: c.889A>G on transcript NM_014049.5 (MANE Select); coding-DNA position 889, A replaced by G.
Protein change: p.Met297Val; replaces methionine 297 with valine.
Molecular consequence: missense variant. On other transcripts: non-coding transcript variant (1).
Genome position (GRCh38, 1-based): chr3:128,902,559, A>G. VCF-style: chr3-128902559-A-G. GRCh37 (hg19) VCF-style: chr3-128621402-A-G.
Other names: c.520A>G, p.Met174Val (NM_001410805.1); short protein forms M174V, M297V.
Identifiers: ClinVar variation 2428100 (VCV002428100.4), dbSNP rs1451166592, ClinGen allele CA354435395.

ClinVar aggregate classification (germline): Uncertain significance (1 of 4 stars; one submission).

Allele frequency attached by ClinVar (database versions not stated): gnomAD exomes below 0.00001; TOPMed below 0.00001; gnomAD 0.00001.
gnomAD v4.1: 5 of 1,614,026 alleles (0.00031%); highest among the groups gnomAD compares: Admixed American, 0.005%; no homozygotes.

Submission:

Labcorp Genetics (formerly Invitae), Labcorp
Classification: Uncertain significance. Last evaluated: 2022-01-19. Review status: criteria provided, single submitter. Criteria: Invitae Variant Classification Sherloc (09022015). Collection method: clinical testing. Allele origin: germline.
Comment: This sequence change replaces methionine, which is neutral and non-polar, with valine, which is neutral and non-polar, at codon 297 of the ACAD9 protein (p.Met297Val). This variant is present in population databases (no rsID available, gnomAD 0.006%). This variant has not been reported in the literature in individuals affected with ACAD9-related conditions. Algorithms developed to predict the effect of missense changes on protein structure and function output the following: SIFT: "Tolerated"; PolyPhen-2: "Benign"; Align-GVGD: "Class C0". The valine amino acid residue is found in multiple mammalian species, which suggests that this missense change does not adversely affect protein function. In summary, the available evidence is currently insufficient to determine the role of this variant in disease. Therefore, it has been classified as a Variant of Uncertain Significance.